The following is an entry in ClinVar:

NM_015215.4(CAMTA1):c.2356G>A (p.Gly786Ser)

Gene: CAMTA1 (calmodulin binding transcription activator 1; plus strand). Cytogenetic location: 1p36.23.
Variant type: single nucleotide variant.
Coding change: c.2356G>A on transcript NM_015215.4 (MANE Select); coding-DNA position 2356, G replaced by A.
Protein change: p.Gly786Ser; replaces glycine 786 with serine.
Molecular consequence: missense variant.
Genome position (GRCh38, 1-based): chr1:7,664,903, G>A. VCF-style: chr1-7664903-G-A. GRCh37 (hg19) VCF-style: chr1-7724963-G-A.
Other names: c.2266G>A, p.Gly756Ser (NM_001349608.2, NM_001349612.2); c.2356G>A, p.Gly786Ser (NM_001349609.2, NM_001349610.2, NM_001410737.1); c.2284G>A, p.Gly762Ser (NM_001410738.1); c.2356G>A (NM_015215.2); short protein forms G756S, G762S, G786S.
Identifiers: ClinVar variation 2107964 (VCV002107964.5), dbSNP rs2095988288, ClinGen allele CA338134133.

ClinVar aggregate classification (germline): Uncertain significance. Review status: criteria provided, multiple submitters, no conflicts (2 of 4 stars). 2 submissions from 2 submitters: Uncertain significance (2). Last evaluated 2023-12-08.

Conditions:
Inborn genetic diseases. Identifiers: MedGen C0950123, MeSH D030342.

Allele frequency attached by ClinVar (database versions not stated): TOPMed 0.00001.

Submissions (2):

Ambry Genetics
Classification: Uncertain significance for Inborn genetic diseases. Last evaluated: 2023-12-08. Review status: criteria provided, single submitter. Criteria: Ambry Variant Classification Scheme 2023. Collection method: clinical testing. Allele origin: germline.

Labcorp Genetics (formerly Invitae), Labcorp
Classification: Uncertain significance. Last evaluated: 2022-12-22. Review status: criteria provided, single submitter. Criteria: Invitae Variant Classification Sherloc (09022015). Collection method: clinical testing. Allele origin: germline.
Comment: Algorithms developed to predict the effect of missense changes on protein structure and function are either unavailable or do not agree on the potential impact of this missense change (SIFT: "Tolerated"; PolyPhen-2: "Probably Damaging"; Align-GVGD: "Class C0"). This sequence change replaces glycine, which is neutral and non-polar, with serine, which is neutral and polar, at codon 786 of the CAMTA1 protein (p.Gly786Ser). This variant is not present in population databases (gnomAD no frequency). This variant has not been reported in the literature in individuals affected with CAMTA1-related conditions. In summary, the available evidence is currently insufficient to determine the role of this variant in disease. Therefore, it has been classified as a Variant of Uncertain Significance.